The following is an entry in ClinVar:

ClinVar aggregate classification (germline): Uncertain significance (1 of 4 stars; one submission).

Conditions:
Hereditary cancer-predisposing syndrome. Also called: Neoplastic Syndromes, Hereditary; Tumor predisposition; Hereditary Cancer Syndrome; Hereditary neoplastic syndrome. Identifiers: Orphanet 140162, MedGen C0027672, MeSH D009386, MONDO:0015356.

Submission:

Ambry Genetics
Classification: Uncertain significance for Hereditary cancer-predisposing syndrome. Last evaluated: 2025-08-31. Review status: criteria provided, single submitter. Criteria: Ambry Variant Classification Scheme 2023. Collection method: clinical testing. Allele origin: germline.
Comment: The p.K657R variant (also known as c.1970A>G), located in coding exon 7 of the BLM gene, results from an A to G substitution at nucleotide position 1970. The lysine at codon 657 is replaced by arginine, an amino acid with highly similar properties. This amino acid position is conserved. In addition, this alteration is predicted to be tolerated by in silico analysis. Based on the available evidence, the clinical significance of this variant remains unclear.

NM_000057.4(BLM):c.1970A>G (p.Lys657Arg)

Gene: BLM (BLM RecQ like helicase; plus strand). Cytogenetic location: 15q26.1.
Variant type: single nucleotide variant.
Coding change: c.1970A>G on transcript NM_000057.4 (MANE Select); coding-DNA position 1970, A replaced by G.
Protein change: p.Lys657Arg; replaces lysine 657 with arginine.
Molecular consequence: missense variant.
Genome position (GRCh38, 1-based): chr15:90,763,053, A>G. VCF-style: chr15-90763053-A-G. GRCh37 (hg19) VCF-style: chr15-91306283-A-G.
Other names: c.1970A>G, p.Lys657Arg (NM_001287246.2, NM_001287247.2); c.845A>G, p.Lys282Arg (NM_001287248.2); short protein forms K657R, K282R.
Identifiers: ClinVar variation 4211295 (VCV004211295.1).